The following is an entry in ClinVar:

NM_138387.4(G6PC3):c.757C>T (p.Arg253Cys)

Gene: G6PC3 (glucose-6-phosphatase catalytic subunit 3; plus strand). Cytogenetic location: 17q21.31.
Variant type: single nucleotide variant.
Coding change: c.757C>T on transcript NM_138387.4 (MANE Select); coding-DNA position 757, C replaced by T.
Protein change: p.Arg253Cys; replaces arginine 253 with cysteine.
Molecular consequence: missense variant. On other transcripts: 3 prime UTR variant (1).
Genome position (GRCh38, 1-based): chr17:44,075,759, C>T. VCF-style: chr17-44075759-C-T. GRCh37 (hg19) VCF-style: chr17-42153127-C-T.
Other names: c.*50C>T (NM_001319945.2); c.412C>T, p.Arg138Cys (NM_001384165.1, NM_001384166.1, NM_001384167.1 and 1 more transcripts); short protein forms R253C, R138C.
Identifiers: ClinVar variation 960968 (VCV000960968.44), dbSNP rs765927570, ClinGen allele CA8596142.

ClinVar aggregate classification (germline): Conflicting classifications of pathogenicity. Review status: criteria provided, conflicting classifications (1 of 4 stars). 2 submissions from 2 submitters: Likely pathogenic (1); Uncertain significance (1). Last evaluated 2025-09-01.

Conditions:
Autosomal recessive severe congenital neutropenia due to G6PC3 deficiency. Also called: G6PC3 Deficiency; NEUTROPENIA, SEVERE CONGENITAL, 4, AUTOSOMAL RECESSIVE. Identifiers: Orphanet 331176, MedGen C2751630, MONDO:0012930, OMIM 612541.

Allele frequency attached by ClinVar (database versions not stated): gnomAD exomes below 0.00001 and 0.00002; ExAC 0.00001; TOPMed 0.00001; gnomAD 0.00002.

Submissions (2):

CeGaT Center for Human Genetics Tuebingen
Classification: Likely pathogenic. Last evaluated: 2025-09-01. Review status: criteria provided, single submitter. Criteria: CeGaT Center For Human Genetics Tuebingen Variant Classification Criteria Version 2. Collection method: clinical testing. Allele origin: germline. Affected: yes. Observed: 2 variant alleles.
Comment: G6PC3: PM2, PM3, PM5, PP3

Labcorp Genetics (formerly Invitae), Labcorp
Classification: Uncertain significance for Autosomal recessive severe congenital neutropenia due to G6PC3 deficiency. Last evaluated: 2025-06-18. Review status: criteria provided, single submitter. Criteria: Invitae Variant Classification Sherloc (09022015). Collection method: clinical testing. Allele origin: germline.
Comment: This sequence change replaces arginine, which is basic and polar, with cysteine, which is neutral and slightly polar, at codon 253 of the G6PC3 protein (p.Arg253Cys). The frequency data for this variant in the population databases is considered unreliable, as metrics indicate poor data quality at this position in the gnomAD database. This missense change has been observed in individual(s) with non-syndromic severe congenital neutropenia (PMID: 23298686). ClinVar contains an entry for this variant (Variation ID: 960968). Invitae Evidence Modeling of protein sequence and biophysical properties (such as structural, functional, and spatial information, amino acid conservation, physicochemical variation, residue mobility, and thermodynamic stability) indicates that this missense variant is expected to disrupt G6PC3 protein function with a positive predictive value of 95%. This variant disrupts the p.Arg253 amino acid residue in G6PC3. Other variant(s) that disrupt this residue have been determined to be pathogenic (PMID: 19118303, 20717171). This suggests that this residue is clinically significant, and that variants that disrupt this residue are likely to be disease-causing. In summary, the available evidence is currently insufficient to determine the role of this variant in disease. Therefore, it has been classified as a Variant of Uncertain Significance.

Literature cited by the submitters: PubMed 23298686 (cited by Labcorp Genetics (formerly Invitae), Labcorp); PubMed 19118303 (cited by Labcorp Genetics (formerly Invitae), Labcorp); PubMed 20717171 (cited by Labcorp Genetics (formerly Invitae), Labcorp).